The following is an entry in ClinVar:

ClinVar aggregate classification (germline): Uncertain significance (1 of 4 stars; one submission).

Submission:

Women's Health and Genetics/Laboratory Corporation of America, LabCorp
Classification: Uncertain significance. Last evaluated: 2024-06-19. Review status: criteria provided, single submitter. Criteria: LabCorp Variant Classification Summary - May 2015. Collection method: clinical testing. Allele origin: germline.
Comment: Variant summary: SHOX c.278-5C>G alters a non-conserved nucleotide located close to a canonical splice site and therefore could affect mRNA splicing, leading to a significantly altered protein sequence. Several computational tools predict a significant impact on normal splicing: Four predict the variant creates a 3' acceptor site four nucleotides upstream of the intron 1/exon 2 3' splice acceptor site and weakens/abolishes the native 3' splice acceptor site. However, these predictions have yet to be confirmed by functional studies. The variant was absent in 249632 control chromosomes. The available data on variant occurrences in the general population are insufficient to allow any conclusion about variant significance. To our knowledge, no occurrence of c.278-5C>G in individuals affected with Leri-Weill Dyschondrosteosis and no experimental evidence demonstrating its impact on protein function have been reported. No submitters have cited clinical-significance assessments for this variant to ClinVar. Based on the evidence outlined above, the variant was classified as uncertain significance.

NM_000451.4(SHOX):c.278-5C>G

Genes: SHOX (SHOX homeobox; plus strand), LOC107652445 (meiotic recombination hotspot SHOX; plus strand). Cytogenetic location: Xp22.33.
Variant type: single nucleotide variant.
Coding change: c.278-5C>G on transcript NM_000451.4 (MANE Select); 5 bases into the intron before coding-DNA position 278, C replaced by G.
Molecular consequence: intron variant.
Genome position (GRCh38, 1-based): chrX:634,613, C>G. VCF-style: chrX-634613-C-G. GRCh37 (hg19) VCF-style: chrX-595348-C-G.
Other names: c.278-5C>G (NM_006883.2).
Identifiers: ClinVar variation 3339958 (VCV003339958.1).